The following is an entry in ClinVar:

NM_024915.4(GRHL2):c.136G>A (p.Ala46Thr)

Gene: GRHL2 (grainyhead like transcription factor 2; plus strand). Cytogenetic location: 8q22.3.
Variant type: single nucleotide variant.
Coding change: c.136G>A on transcript NM_024915.4 (MANE Select); coding-DNA position 136, G replaced by A.
Protein change: p.Ala46Thr; replaces alanine 46 with threonine.
Molecular consequence: missense variant.
Genome position (GRCh38, 1-based): chr8:101,543,356, G>A. VCF-style: chr8-101543356-G-A. GRCh37 (hg19) VCF-style: chr8-102555584-G-A.
Other names: c.88G>A, p.Ala30Thr (NM_001330593.2); short protein forms A30T, A46T.
Identifiers: ClinVar variation 1307155 (VCV001307155.3), dbSNP rs993904280, ClinGen allele CA371643265.

ClinVar aggregate classification (germline): Uncertain significance. Review status: criteria provided, multiple submitters, no conflicts (2 of 4 stars). 2 submissions from 2 submitters: Uncertain significance (2). Last evaluated 2025-09-27.

Conditions:
Inborn genetic diseases. Identifiers: MedGen C0950123, MeSH D030342.

Allele frequency attached by ClinVar (database versions not stated): gnomAD exomes below 0.00001.
gnomAD v4.1: 1 of 1,614,096 alleles (0.000062%); highest among the groups gnomAD compares: African/African-American, 0.0013%; no homozygotes.

Submissions (2):

Ambry Genetics
Classification: Uncertain significance for Inborn genetic diseases. Last evaluated: 2025-09-27. Review status: criteria provided, single submitter. Criteria: Ambry Variant Classification Scheme 2023. Collection method: clinical testing. Allele origin: germline.

GeneDx
Classification: Uncertain significance. Last evaluated: 2019-03-14. Review status: criteria provided, single submitter. Criteria: GeneDx Variant Classification Process June 2021. Collection method: clinical testing. Allele origin: germline. Affected: yes.
Comment: Not observed in large population cohorts (Lek et al., 2016); In silico analysis, which includes protein predictors and evolutionary conservation, supports a deleterious effect; Has not been previously published as pathogenic or benign to our knowledge